The following is an entry in ClinVar:

ClinVar aggregate classification (germline): Pathogenic/Likely pathogenic. Review status: criteria provided, multiple submitters, no conflicts (2 of 4 stars). 3 submissions from 3 submitters: Pathogenic (1); Likely pathogenic (2). Last evaluated 2025-10-21.

Conditions:
SPATA7-related disorder. Also called: SPATA7-related disorders; SPATA7-related condition. Identifiers: MedGen CN239422.
Leber congenital amaurosis 3 (LCA3). Also called: SPATA7-Related Retinitis Pigmentosa. Identifiers: MedGen C1858677, MONDO:0011415, OMIM 604232.

Allele frequency attached by ClinVar (database versions not stated): gnomAD exomes below 0.00001; TOPMed below 0.00001.

Submissions (3):

Labcorp Genetics (formerly Invitae), Labcorp
Classification: Pathogenic for Leber congenital amaurosis 3. Last evaluated: 2025-10-21. Review status: criteria provided, single submitter. Criteria: Invitae Variant Classification Sherloc (09022015). Collection method: clinical testing. Allele origin: germline.
Comment: This sequence change creates a premature translational stop signal (p.Met140Argfs*11) in the SPATA7 gene. It is expected to result in an absent or disrupted protein product. Loss-of-function variants in SPATA7 are known to be pathogenic (PMID: 19268277, 22334370, 23847139, 26047050, 26261414). This variant is present in population databases (no rsID available, gnomAD 0.003%). This variant has not been reported in the literature in individuals affected with SPATA7-related conditions. ClinVar contains an entry for this variant (Variation ID: 3751794). For these reasons, this variant has been classified as Pathogenic.

Dasa
Classification: Likely pathogenic. Last evaluated: 2025-04-07. Review status: criteria provided, single submitter. Criteria: DASA Assertion Criteria. Collection method: clinical testing. Allele origin: germline.
Comment: NM_018418.5(SPATA7):c.419del (p.Met140Argfs*11) is a frameshift variant in SPATA7 predicted to alter the reading frame and introduce a premature termination codon and is predicted to result in an absent or altered protein product. Loss of function is an established disease mechanism for SPATA7-associated disorders. Also, this variant is rare in population databases. Based on the currently available evidence, this variant is classified as likely pathogenic.

Blueprint Genetics
Classification: Likely pathogenic for SPATA7-related disorders. Last evaluated: 2019-09-14. Review status: criteria provided, single submitter. Criteria: ACMG Guidelines, 2015. Collection method: clinical testing. Allele origin: germline. Affected: yes. Observed: 1 variant allele.

Literature cited by the submitters: PubMed 19268277 (cited by Labcorp Genetics (formerly Invitae), Labcorp); PubMed 22334370 (cited by Labcorp Genetics (formerly Invitae), Labcorp); PubMed 23847139 (cited by Labcorp Genetics (formerly Invitae), Labcorp); PubMed 26047050 (cited by Labcorp Genetics (formerly Invitae), Labcorp); PubMed 26261414 (cited by Labcorp Genetics (formerly Invitae), Labcorp).

NM_018418.5(SPATA7):c.419del (p.Met140fs)

Gene: SPATA7 (spermatogenesis associated 7; plus strand). Cytogenetic location: 14q31.3.
Variant type: Deletion.
Coding change: c.419del on transcript NM_018418.5 (MANE Select); coding-DNA position 419, one base deleted (T; older notation c.419delT).
Protein change: p.Met140fs; shifts the reading frame from methionine 140.
Molecular consequence: frameshift variant.
Genome position (GRCh38, 1-based): chr14:88,426,278, T deleted. VCF-style (leftmost placement, unchanged base first): chr14-88426277-AT-A. GRCh37 (hg19) VCF-style: chr14-88892621-AT-A.
Other names: c.323del, p.Met108fs (NM_001040428.4); short protein forms M108fs, M140fs.
Identifiers: ClinVar variation 3751794 (VCV003751794.5), dbSNP rs1438636453.